The following is an entry in ClinVar:

ClinVar aggregate classification (germline): Uncertain significance. Review status: criteria provided, single submitter (1 of 4 stars). 2 submissions from 2 submitters: Uncertain significance (1). 1 of the submissions does not count toward it. Last evaluated 2026-02-09.

Conditions:
Urocanate hydratase deficiency (UROCD). Also called: UROCANASE DEFICIENCY; Urocanic aciduria. Identifiers: Orphanet 210128, MedGen C0268514, MONDO:0010167, OMIM 276880, HP:0012237.

Allele frequency attached by ClinVar (database versions not stated): ExAC 0.00002; gnomAD exomes 0.00002 and 0.00003; gnomAD 0.00003 and 0.00004; TOPMed 0.00005.

Submissions (2):

Women's Health and Genetics/Laboratory Corporation of America, LabCorp
Classification: Uncertain significance. Last evaluated: 2026-02-09. Review status: criteria provided, single submitter. Criteria: LabCorp Variant Classification Summary - May 2015. Collection method: clinical testing. Allele origin: germline.
Comment: Variant summary: UROC1 c.209T>C (p.Leu70Pro) results in a non-conservative amino acid change in the encoded protein sequence. Algorithms developed to predict the effect of missense changes on protein structure and function are either unavailable or do not agree on the potential impact of this missense change. The variant allele was found at a frequency of 2.8e-05 in 251038 control chromosomes. The available data on variant occurrences in the general population are insufficient to allow any conclusion about variant significance. c.209T>C has been observed in at least one individual with urocanic aciduria, intellectual disability, and intermittent ataxia (example: Espins_2009). This report does not provide unequivocal conclusions about association of the variant with Urocanate Hydratase Deficiency. To our knowledge, no experimental evidence demonstrating an impact on protein function has been reported. The following publication has been ascertained in the context of this evaluation (PMID: 19304569). ClinVar contains an entry for this variant (Variation ID: 408). Based on the evidence outlined above, the variant was classified as uncertain significance.

OMIM
Classification: Pathogenic for UROCANASE DEFICIENCY (1 family). Last evaluated: 2009-06-01. Review status: no assertion criteria provided. Collection method: literature only. Allele origin: germline. Not counted in ClinVar's aggregate classification.

Literature cited by the submitters: PubMed 19304569 (cited by Women's Health and Genetics/Laboratory Corporation of America, LabCorp and OMIM).

NM_144639.3(UROC1):c.209T>C (p.Leu70Pro)

Gene: UROC1 (urocanate hydratase 1; minus strand). Cytogenetic location: 3q21.3.
Variant type: single nucleotide variant.
Coding change: c.209T>C on transcript NM_144639.3 (MANE Select); coding-DNA position 209, T replaced by C.
Protein change: p.Leu70Pro; replaces leucine 70 with proline.
Molecular consequence: missense variant.
Genome position (GRCh38, 1-based): chr3:126,510,712, A>G on the plus strand (T>C on the coding strand, the complement: UROC1 is on the minus strand). VCF-style: chr3-126510712-A-G. GRCh37 (hg19) VCF-style: chr3-126229555-A-G.
Other names: c.209T>C, p.Leu70Pro (NM_001165974.2); short protein forms L70P.
Identifiers: ClinVar variation 408 (VCV000000408.2), dbSNP rs137852796, ClinGen allele CA114250.
Genomic context (GRCh38, chr3:126,510,712, plus strand): 5'-CACAAGGCTGACCTCATTTCAATGTCGGGGCAAAACCGGTACATGTAGATGTGTCCGTAC[A>G]GTTGCAGCTCCTGGGCAAACTCTGGGGCCAGCAGCTCCTGGACATCCGGGGGGAAGTAGC-3'
Protein context (NP_653240.1, residues 60-80): LAPEFAQELQ[Leu70Pro]YGHIYMYRFC